The following is an entry in ClinVar:

NM_000059.4(BRCA2):c.2437_2438del (p.Ile813fs)

Gene: BRCA2 (BRCA2 DNA repair associated; plus strand). Cytogenetic location: 13q13.1.
Variant type: Microsatellite.
Coding change: c.2437_2438del on transcript NM_000059.4 (MANE Select); coding-DNA positions 2437 to 2438, 2 bases deleted (AT; older notation c.2437_2438delAT).
Protein change: p.Ile813fs; shifts the reading frame from isoleucine 813.
Molecular consequence: frameshift variant. On other transcripts: non-coding transcript variant (1), intron variant (2).
Genome position (GRCh38, 1-based): chr13:32,336,792-32,336,793, AT deleted; deleting any 2 consecutive bases within chr13:32,336,790-32,336,793 gives the same sequence; the c. name uses the placement nearest the transcript's 3' end. VCF-style (leftmost placement, unchanged base first): chr13-32336789-AAT-A. GRCh37 (hg19) VCF-style: chr13-32910926-AAT-A.
Other names: c.2435_2436AT[1], p.Ile813Serfs (NM_000059.3); c.2437_2438del, p.Ile813fs (NM_001406719.1, NM_001406720.1); c.1909+3405_1909+3406del (NM_001406721.1); c.424+5762_424+5763del (NM_001406722.1); c.2437_2438delAT (NM_000059.3); short protein forms I813fs.
Identifiers: ClinVar variation 2565956 (VCV002565956.3), dbSNP rs2548523925, ClinGen allele CA2580614653.

ClinVar aggregate classification (germline): Pathogenic/Likely pathogenic. Review status: criteria provided, multiple submitters, no conflicts (2 of 4 stars). 2 submissions from 2 submitters: Pathogenic (1); Likely pathogenic (1). Last evaluated 2025-06-25.

Conditions:
Hereditary cancer-predisposing syndrome. Also called: Neoplastic Syndromes, Hereditary; Hereditary Cancer Syndrome; Hereditary neoplastic syndrome; Tumor predisposition. Identifiers: Orphanet 140162, MedGen C0027672, MeSH D009386, MONDO:0015356.
Hereditary breast ovarian cancer syndrome. Also called: BRCA1- and BRCA2-Associated Hereditary Breast and Ovarian Cancer; Hereditary breast and ovarian cancer syndrome (HBOC); Hereditary breast and ovarian cancer syndrome; Breast and ovarian cancer; Hereditary breast and/or ovarian cancer syndrome; Hereditary breast and ovarian cancer. Identifiers: Orphanet 145, MedGen C0677776, MeSH D061325, MONDO:0003582. Disease mechanism: loss of function.

Submissions (2):

GeneKor MSA
Classification: Likely pathogenic for Hereditary breast ovarian cancer syndrome. Last evaluated: 2025-06-25. Review status: criteria provided, single submitter. Criteria: ACMG Guidelines, 2015. Collection method: clinical testing. Allele origin: germline. Affected: yes.
Comment: This is a two-nucleotide deletion in exon 11 of the BRCA2 mRNA c.(2437_2438del), causing a frameshift after codon 813. This creates a premature translational stop signal 13 amino acid residues later- p.(Ile813Serfs*13) and is expected to result in an absent or disrupted protein product. Loss-of-function variants in BRCA2 are known to be pathogenic (PMID:20104584). This variant is not present in population databases and has not been reported in individuals with hereditary cancer. The mutation database ClinVar contains an entry for this variant (VCV002565956.2). Based on the classification criteria set by the ACMG and AMP (PMID:25741868) this variant has been classified as likely pathogenic.

Ambry Genetics
Classification: Pathogenic for Hereditary cancer-predisposing syndrome. Last evaluated: 2023-03-19. Review status: criteria provided, single submitter. Criteria: Ambry Variant Classification Scheme 2023. Collection method: clinical testing. Allele origin: germline.
Comment: The c.2437_2438delAT pathogenic mutation, located in coding exon 10 of the BRCA2 gene, results from a deletion of two nucleotides at nucleotide positions 2437 to 2438, causing a translational frameshift with a predicted alternate stop codon (p.I813Sfs*13). This alteration is expected to result in loss of function by premature protein truncation or nonsense-mediated mRNA decay. This variant is considered to be rare based on population cohorts in the Genome Aggregation Database (gnomAD). As such, this alteration is interpreted as a disease-causing mutation.

Literature cited by the submitters: PubMed 20104584 (cited by GeneKor MSA).